The following is an entry in ClinVar:

NM_004336.5(BUB1):c.1992G>C (p.Gln664His)

Gene: BUB1 (BUB1 mitotic checkpoint serine/threonine kinase; minus strand). Cytogenetic location: 2q13.
Variant type: single nucleotide variant.
Coding change: c.1992G>C on transcript NM_004336.5 (MANE Select); coding-DNA position 1992, G replaced by C.
Protein change: p.Gln664His; replaces glutamine 664 with histidine.
Molecular consequence: missense variant.
Genome position (GRCh38, 1-based): chr2:110,650,757, C>G on the plus strand (G>C on the coding strand, the complement: BUB1 is on the minus strand). VCF-style: chr2-110650757-C-G. GRCh37 (hg19) VCF-style: chr2-111408334-C-G.
Other names: c.1932G>C, p.Gln644His (NM_001278616.2); c.1992G>C, p.Gln664His (NM_001278617.2); short protein forms Q644H, Q664H.
Identifiers: ClinVar variation 3262175 (VCV003262175.1).

ClinVar aggregate classification (germline): Uncertain significance (1 of 4 stars; one submission).

Submission:

Ambry Genetics
Classification: Uncertain significance. Last evaluated: 2024-06-12. Review status: criteria provided, single submitter. Criteria: Ambry Variant Classification Scheme 2023. Collection method: clinical testing. Allele origin: germline.
Comment: The p.Q664H variant (also known as c.1992G>C), located in coding exon 18 of the BUB1 gene, results from a G to C substitution at nucleotide position 1992. The glutamine at codon 664 is replaced by histidine, an amino acid with highly similar properties. This amino acid position is conserved. In addition, this alteration is predicted to be tolerated by in silico analysis. Based on the available evidence, the clinical significance of this variant remains unclear.